The following is an entry in ClinVar:

ClinVar aggregate classification (germline): Uncertain significance (1 of 4 stars; one submission).

Submission:

Labcorp Genetics (formerly Invitae), Labcorp
Classification: Uncertain significance. Last evaluated: 2025-08-21. Review status: criteria provided, single submitter. Criteria: Invitae Variant Classification Sherloc (09022015). Collection method: clinical testing. Allele origin: germline.
Comment: This sequence change replaces serine, which is neutral and polar, with asparagine, which is neutral and polar, at codon 654 of the GFM2 protein (p.Ser654Asn). This variant is present in population databases (no rsID available, gnomAD 0.01%). This variant has not been reported in the literature in individuals affected with GFM2-related conditions. ClinVar contains an entry for this variant (Variation ID: 1476613). An algorithm developed to predict the effect of missense changes on protein structure and function (PolyPhen-2) suggests that this variant is likely to be tolerated. In summary, the available evidence is currently insufficient to determine the role of this variant in disease. Therefore, it has been classified as a Variant of Uncertain Significance.

NM_032380.5(GFM2):c.1960_1961delinsAA (p.Ser654Asn)

Gene: GFM2 (GTP dependent ribosome recycling factor mitochondrial 2; minus strand). Cytogenetic location: 5q13.3.
Variant type: Indel.
Coding change: c.1960_1961delinsAA on transcript NM_032380.5 (MANE Select); coding-DNA positions 1960 to 1961, TC replaced by AA.
Protein change: p.Ser654Asn; replaces serine 654 with asparagine.
Molecular consequence: missense variant. On other transcripts: non-coding transcript variant (1).
Genome position (GRCh38, 1-based): chr5:74,725,707-74,725,708, GA replaced by TT on the plus strand (TC replaced by AA on the coding strand, the reverse complement: GFM2 is on the minus strand). VCF-style: chr5-74725707-GA-TT. GRCh37 (hg19) VCF-style: chr5-74021532-GA-TT.
Other names: c.2056_2057delinsAA, p.Ser686Asn (NM_001281302.2); c.1819_1820delinsAA, p.Ser607Asn (NM_170691.3); short protein forms S607N, S654N, S686N.
Identifiers: ClinVar variation 1476613 (VCV001476613.6), dbSNP rs2112211094, ClinGen allele CA2573139790.
Genomic context (GRCh38, chr5:74,725,707, plus strand): 5'-ACGCATCTTGAGACACAGGCAGAAATCATAGTTGTGGAGGTGCCAGGATGAATTGTCAGG[GA>TT]ATGTAAAGTAATTGCTACATCCTGAATTGGGGATCCAAGCAATGGTCCTAGACAAGGGAA-3'
Protein context (NP_115756.2, residues 644-664): PIQDVAITLH[Ser654Asn]LTIHPGTSTT